The following is an entry in ClinVar:

ClinVar aggregate classification (germline): Uncertain significance (1 of 4 stars; one submission).

Conditions:
Chuvash polycythemia. Also called: POLYCYTHEMIA, VHL-DEPENDENT. Identifiers: Orphanet 238557, MedGen C1837915, MONDO:0009892, OMIM 263400.
Von Hippel-Lindau syndrome (VHLS). Also called: Von Hippel-Lindau; von Hippel–Lindau syndrome; VHL syndrome. Identifiers: Orphanet 892, MedGen C0019562, MONDO:0008667, OMIM 193300. Disease mechanism: loss of function.

Submission:

Labcorp Genetics (formerly Invitae), Labcorp
Classification: Uncertain significance for Von Hippel-Lindau syndrome; Chuvash polycythemia. Last evaluated: 2022-07-17. Review status: criteria provided, single submitter. Criteria: Invitae Variant Classification Sherloc (09022015). Collection method: clinical testing. Allele origin: germline.
Comment: In summary, the available evidence is currently insufficient to determine the role of this variant in disease. Therefore, it has been classified as a Variant of Uncertain Significance. Advanced modeling of protein sequence and biophysical properties (such as structural, functional, and spatial information, amino acid conservation, physicochemical variation, residue mobility, and thermodynamic stability) performed at Invitae indicates that this missense variant is not expected to disrupt VHL protein function. This variant has not been reported in the literature in individuals affected with VHL-related conditions. This variant is not present in population databases (gnomAD no frequency). This sequence change replaces valine, which is neutral and non-polar, with leucine, which is neutral and non-polar, at codon 20 of the VHL protein (p.Val20Leu).

NM_000551.4(VHL):c.58G>C (p.Val20Leu)

Gene: VHL (von Hippel-Lindau tumor suppressor; plus strand). Cytogenetic location: 3p25.3.
Variant type: single nucleotide variant.
Coding change: c.58G>C on transcript NM_000551.4 (MANE Select); coding-DNA position 58, G replaced by C.
Protein change: p.Val20Leu; replaces valine 20 with leucine.
Molecular consequence: missense variant.
Genome position (GRCh38, 1-based): chr3:10,141,905, G>C. VCF-style: chr3-10141905-G-C. GRCh37 (hg19) VCF-style: chr3-10183589-G-C.
Other names: c.58G>C, p.Val20Leu (NM_001354723.2, NM_198156.3); short protein forms V20L.
Identifiers: ClinVar variation 1718038 (VCV001718038.6), dbSNP rs2125124555, ClinGen allele CA351747312.